The following is an entry in ClinVar:

ClinVar aggregate classification (germline): Benign/Likely benign. Review status: criteria provided, multiple submitters, no conflicts (2 of 4 stars). 11 submissions from 10 submitters: Benign (7); Likely benign (1). 3 of the submissions do not count toward it. Last evaluated 2026-01-27.

Conditions:
Emery-Dreifuss muscular dystrophy 4, autosomal dominant (EDMD4). Also called: EMERY-DREIFUSS MUSCULAR DYSTROPHY 4 WITH VARIABLE FEATURES. Identifiers: Orphanet 261, MedGen C2751807, MONDO:0013071, OMIM 612998.
Autosomal recessive ataxia, Beauce type. Also called: SYNE1 Deficiency; Spinocerebellar ataxia, autosomal recessive 8; ATAXIA, RECESSIVE, OF BEAUCE; SYNE1-Related Autosomal Recessive Cerebellar Ataxia. Identifiers: Orphanet 88644, MedGen C1853116, MONDO:0012549, OMIM 610743.

Allele frequency attached by ClinVar (database versions not stated): 1000 Genomes Project 30x 0.00312; 1000 Genomes Project 0.00339; TOPMed 0.01073; gnomAD exomes 0.01135 and 0.01709; ExAC 0.01161; gnomAD 0.01250 and 0.01334; ESP Exome Variant Server 0.01284.
gnomAD v4.1: 26,724 of 1,614,156 alleles (1.7%); highest among the groups gnomAD compares: Non-Finnish European, 2%; 301 homozygotes.

Submissions (11):

Labcorp Genetics (formerly Invitae), Labcorp
Classification: Benign for Emery-Dreifuss muscular dystrophy 4, autosomal dominant; Autosomal recessive ataxia, Beauce type. Last evaluated: 2026-01-27. Review status: criteria provided, single submitter. Criteria: Invitae Variant Classification Sherloc (09022015). Collection method: clinical testing. Allele origin: germline.

Blueprint Genetics
Classification: Likely benign. Last evaluated: 2024-11-26. Review status: criteria provided, single submitter. Criteria: ACMG Guidelines, 2015. Collection method: clinical testing. Allele origin: germline.

Athena Diagnostics
Classification: Benign. Last evaluated: 2019-05-31. Review status: criteria provided, single submitter. Criteria: Athena Diagnostics Criteria. Collection method: clinical testing. Allele origin: germline.

Mayo Clinic Laboratories, Mayo Clinic
Classification: Benign. Last evaluated: 2018-03-08. Review status: criteria provided, single submitter. Criteria: ACMG Guidelines, 2015. Collection method: clinical testing. Allele origin: germline. Observed: 32 variant alleles.

Illumina Laboratory Services, Illumina
Classification: Benign for Emery-Dreifuss muscular dystrophy 4, autosomal dominant. Last evaluated: 2018-01-12. Review status: criteria provided, single submitter. Criteria: ICSL Variant Classification Criteria 13 December 2019. Collection method: clinical testing. Allele origin: germline.
Comment: This variant was observed in the ICSL laboratory as part of a predisposition screen in an ostensibly healthy population. It had not been previously curated by ICSL or reported in the Human Gene Mutation Database (HGMD: prior to June 1st, 2018), and was therefore a candidate for classification through an automated scoring system. Utilizing variant allele frequency, disease prevalence and penetrance estimates, and inheritance mode, an automated score was calculated to assess if this variant is too frequent to cause the disease. Based on the score and internal cut-off values, a variant classified as benign is not then subjected to further curation. The score for this variant resulted in a classification of benign for this disease.

Illumina Laboratory Services, Illumina
Classification: Benign for Autosomal recessive ataxia, Beauce type. Last evaluated: 2018-01-12. Review status: criteria provided, single submitter. Criteria: ICSL Variant Classification Criteria 13 December 2019. Collection method: clinical testing. Allele origin: germline.
Comment: the same text as in the submission from Illumina Laboratory Services, Illumina above.

GeneDx
Classification: Benign. Last evaluated: 2016-05-24. Review status: criteria provided, single submitter. Criteria: GeneDx Variant Classification (06012015). Collection method: clinical testing. Allele origin: germline. Affected: yes.
Comment: This variant is considered likely benign or benign based on one or more of the following criteria: it is a conservative change, it occurs at a poorly conserved position in the protein, it is predicted to be benign by multiple in silico algorithms, and/or has population frequency not consistent with disease.

PreventionGenetics, part of Exact Sciences
Classification: Benign. Review status: criteria provided, single submitter. Criteria: ACMG Guidelines, 2015. Collection method: clinical testing. Allele origin: germline.

Clinical Genetics DNA and cytogenetics Diagnostics Lab, Erasmus MC, Erasmus Medical Center
Classification: Likely benign. Review status: no assertion criteria provided. Collection method: clinical testing. Allele origin: germline. Affected: yes. Study: VKGL Data-share Consensus. Not counted in ClinVar's aggregate classification.

Clinical Genetics, Academic Medical Center
Classification: Benign. Review status: no assertion criteria provided. Collection method: clinical testing. Allele origin: germline. Affected: yes. Study: VKGL Data-share Consensus. Not counted in ClinVar's aggregate classification.

Genetic Services Laboratory, University of Chicago
Classification: Likely benign for AllHighlyPenetrant. Review status: no assertion criteria provided. Collection method: clinical testing. Allele origin: germline. Inheritance: Autosomal dominant inheritance. Not counted in ClinVar's aggregate classification.
Comment: Likely benign based on allele frequency in 1000 Genomes Project or ESP global frequency and its presence in a patient with a rare or unrelated disease phenotype. NOT Sanger confirmed.

Literature cited by the submitters: PubMed 21572417 (cited by Athena Diagnostics).

NM_182961.4(SYNE1):c.22809C>T (p.Leu7603=)

Gene: SYNE1 (spectrin repeat containing nuclear envelope protein 1; minus strand). Cytogenetic location: 6q25.2.
Variant type: single nucleotide variant.
Coding change: c.22809C>T on transcript NM_182961.4 (MANE Select); coding-DNA position 22809, C replaced by T.
Protein change: p.Leu7603=; no amino-acid change (leucine 7603 retained).
Molecular consequence: synonymous variant.
Genome position (GRCh38, 1-based): chr6:152,207,987, G>A on the plus strand (C>T on the coding strand, the complement: SYNE1 is on the minus strand). VCF-style: chr6-152207987-G-A. GRCh37 (hg19) VCF-style: chr6-152529122-G-A.
Other names: p.Leu7532=; c.22596C>T, p.Leu7532= (NM_033071.5).
Identifiers: ClinVar variation 130424 (VCV000130424.25), dbSNP rs34630198, ClinGen allele CA155419.